The following is an entry in ClinVar:

NM_001162501.2(TNRC6B):c.1032G>A (p.Arg344=)

Gene: TNRC6B (trinucleotide repeat containing adaptor 6B; plus strand). Cytogenetic location: 22q13.1.
Variant type: single nucleotide variant.
Coding change: c.1032G>A on transcript NM_001162501.2 (MANE Select); coding-DNA position 1032, G replaced by A.
Protein change: p.Arg344=; no amino-acid change (arginine 344 retained).
Molecular consequence: synonymous variant. On other transcripts: intron variant (1).
Genome position (GRCh38, 1-based): chr22:40,265,262, G>A. VCF-style: chr22-40265262-G-A. GRCh37 (hg19) VCF-style: chr22-40661266-G-A.
Other names: c.1032G>A, p.Arg344= (NM_015088.3); c.565+3089G>A (NM_001024843.2).
Identifiers: ClinVar variation 3067383 (VCV003067383.21), dbSNP rs2070459571, ClinGen allele CA514788650.

ClinVar aggregate classification (germline): Likely benign (1 of 4 stars; one submission).

Allele frequency attached by ClinVar (database versions not stated): gnomAD exomes below 0.00001; gnomAD 0.00002.
gnomAD v4.1: 5 of 1,613,832 alleles (0.00031%); highest among the groups gnomAD compares: African/African-American, 0.004%; no homozygotes.

Submission:

CeGaT Center for Human Genetics Tuebingen
Classification: Likely benign. Last evaluated: 2024-03-01. Review status: criteria provided, single submitter. Criteria: CeGaT Center For Human Genetics Tuebingen Variant Classification Criteria Version 2. Collection method: clinical testing. Allele origin: germline. Affected: yes. Observed: 1 variant allele.
Comment: TNRC6B: BP4, BP7